The following is an entry in ClinVar:

NM_022455.5(NSD1):c.7648G>A (p.Glu2550Lys)

Gene: NSD1 (nuclear receptor binding SET domain protein 1; plus strand). Cytogenetic location: 5q35.3.
Variant type: single nucleotide variant.
Coding change: c.7648G>A on transcript NM_022455.5 (MANE Select); coding-DNA position 7648, G replaced by A.
Protein change: p.Glu2550Lys; replaces glutamic acid 2550 with lysine.
Molecular consequence: missense variant.
Genome position (GRCh38, 1-based): chr5:177,295,016, G>A. VCF-style: chr5-177295016-G-A. GRCh37 (hg19) VCF-style: chr5-176722017-G-A.
Other names: c.6775G>A, p.Glu2259Lys (NM_001365684.2, NM_001409308.1, NM_172349.5); c.7648G>A, p.Glu2550Lys (NM_001409301.1, NM_001409302.1, NM_001409303.1); c.7228G>A, p.Glu2410Lys (NM_001409304.1); c.6895G>A, p.Glu2299Lys (NM_001409305.1); c.6886G>A, p.Glu2296Lys (NM_001409306.1, NM_001409307.1); c.6526G>A, p.Glu2176Lys (NM_001409309.1); short protein forms E2281K, E2550K, E2296K, E2299K, E2410K, E2259K, E2176K.
Identifiers: ClinVar variation 1327059 (VCV001327059.6), dbSNP rs1180593710, ClinGen allele CA362333824.
Genomic context (GRCh38, chr5:177,295,016, plus strand): 5'-GTTAAATCACTCACCCAGGCCAGACTTCTTTCTCAGCCTCCTGCCAAGGCCTTTTTATAT[G>A]AGCCAACAACTCAGGCCTCAGGAAGAGCTTCTGCAGGGGCTGAGCAGACCCCAGGGCCTC-3'
Protein context (NP_071900.2, residues 2540-2560): SQPPAKAFLY[Glu2550Lys]PTTQASGRAS

ClinVar aggregate classification (germline): Uncertain significance. Review status: criteria provided, multiple submitters, no conflicts (2 of 4 stars). 2 submissions from 2 submitters: Uncertain significance (2). Last evaluated 2021-07-03.

Conditions:
Sotos syndrome (SOTOS). Also called: CHROMOSOME 5q35 DELETION SYNDROME; SOTOS SYNDROME 1; Distinctive facial appearance, overgrowth in childhood, and learning disabilities or delayed development; CEREBRAL GIGANTISM; Sotos' syndrome. Identifiers: Orphanet 821, MedGen C0175695, MONDO:0019349, OMIM 117550.

Allele frequency attached by ClinVar (database versions not stated): gnomAD exomes below 0.00001.
gnomAD v4.1: 5 of 1,614,202 alleles (0.00031%); highest among the groups gnomAD compares: Non-Finnish European, 0.00042%; no homozygotes.

Submissions (2):

Genetic Services Laboratory, University of Chicago
Classification: Uncertain significance. Last evaluated: 2021-07-03. Review status: criteria provided, single submitter. Criteria: ACMG Guidelines, 2015. Collection method: clinical testing. Allele origin: germline. Affected: no.
Comment: DNA sequence analysis of the NSD1 gene demonstrated a sequence change, c.7648G>A, in exon 23 that results in an amino acid change, p.Glu2550Lys. This sequence change does not appear to have been previously described in individuals with NSD1-related disorders. This sequence change has been described in one non-Finnish European individual in the gnomAD population database (dbSNP rs1180593710). The p.Glu2550Lys change affects a poorly conserved amino acid residue of the NSD1 protein. In-silico pathogenicity prediction tools (SIFT, PolyPhen2, Align GVGD, REVEL) provide contradictory results for the p.Glu2550Lys substitution. Due to these contrasting evidences and the lack of functional studies, the clinical significance of the p.Glu2550Lys change remains unknown at this time.

Baylor Genetics
Classification: Uncertain significance for Sotos syndrome. Last evaluated: 2021-05-25. Review status: criteria provided, single submitter. Criteria: ACMG Guidelines, 2015. Collection method: clinical testing. Allele origin: unknown. Affected: yes. Study: CSER-TexasKidsCanSeq.
Comment: This variant was determined to be of uncertain significance according to ACMG Guidelines, 2015 [PMID:25741868].